The following is an entry in ClinVar:

NM_024652.6(LRRK1):c.3811C>T (p.Arg1271Cys)

Genes: LRRK1 (leucine rich repeat kinase 1; plus strand), LRRK1-AS1 (LRRK1 antisense RNA 1; minus strand). Cytogenetic location: 15q26.3.
Variant type: single nucleotide variant.
Coding change: c.3811C>T on transcript NM_024652.6 (MANE Select); coding-DNA position 3811, C replaced by T.
Protein change: p.Arg1271Cys; replaces arginine 1271 with cysteine.
Molecular consequence: missense variant.
Genome position (GRCh38, 1-based): chr15:101,053,043, C>T. VCF-style: chr15-101053043-C-T. GRCh37 (hg19) VCF-style: chr15-101593248-C-T.
Other names: short protein forms R1271C.
Identifiers: ClinVar variation 2072409 (VCV002072409.4), dbSNP rs748630672, ClinGen allele CA7761646.

ClinVar aggregate classification (germline): Uncertain significance. Review status: criteria provided, multiple submitters, no conflicts (2 of 4 stars). 2 submissions from 2 submitters: Uncertain significance (2). Last evaluated 2025-06-10.

Conditions:
Inborn genetic diseases. Identifiers: MedGen C0950123, MeSH D030342.

Allele frequency attached by ClinVar (database versions not stated): gnomAD 0.00005.

Submissions (2):

Ambry Genetics
Classification: Uncertain significance for Inborn genetic diseases. Last evaluated: 2025-06-10. Review status: criteria provided, single submitter. Criteria: Ambry Variant Classification Scheme 2023. Collection method: clinical testing. Allele origin: germline.

Labcorp Genetics (formerly Invitae), Labcorp
Classification: Uncertain significance. Last evaluated: 2023-07-27. Review status: criteria provided, single submitter. Criteria: Invitae Variant Classification Sherloc (09022015). Collection method: clinical testing. Allele origin: germline.
Comment: This sequence change replaces arginine, which is basic and polar, with cysteine, which is neutral and slightly polar, at codon 1271 of the LRRK1 protein (p.Arg1271Cys). This variant is present in population databases (rs748630672, gnomAD 0.01%). This variant has not been reported in the literature in individuals affected with LRRK1-related conditions. ClinVar contains an entry for this variant (Variation ID: 2072409). An algorithm developed to predict the effect of missense changes on protein structure and function (PolyPhen-2) suggests that this variant is likely to be disruptive. In summary, the available evidence is currently insufficient to determine the role of this variant in disease. Therefore, it has been classified as a Variant of Uncertain Significance.